The following is an entry in ClinVar:

NM_000263.4(NAGLU):c.764+5G>A

Gene: NAGLU (N-acetyl-alpha-glucosaminidase; plus strand). Cytogenetic location: 17q21.2.
Variant type: single nucleotide variant.
Coding change: c.764+5G>A on transcript NM_000263.4 (MANE Select); 5 bases into the intron after coding-DNA position 764, G replaced by A.
Molecular consequence: intron variant.
Genome position (GRCh38, 1-based): chr17:42,538,760, G>A. VCF-style: chr17-42538760-G-A. GRCh37 (hg19) VCF-style: chr17-40690778-G-A.
Identifiers: ClinVar variation 1965218 (VCV001965218.2), dbSNP rs2092914089, ClinGen allele CA983829198.

ClinVar aggregate classification (germline): Uncertain significance (1 of 4 stars; one submission).

Conditions:
Mucopolysaccharidosis, MPS-III-B (MPS3B). Also called: N-ACETYL-ALPHA-D-GLUCOSAMINIDASE DEFICIENCY; NAGLU DEFICIENCY; SANFILIPPO SYNDROME B; MPS III B; Mucopolysaccharidosis type IIIB (Sanfilippo B); MPS IIIB (Sanfilippo Syndrome Type B). Identifiers: Orphanet 79270, MedGen C0086648, MONDO:0009656, OMIM 252920.
Charcot-Marie-Tooth disease axonal type 2V. Also called: CHARCOT-MARIE-TOOTH NEUROPATHY, TYPE 2V; CHARCOT-MARIE-TOOTH DISEASE, AXONAL, AUTOSOMAL DOMINANT, TYPE 2V. Identifiers: Orphanet 447964, MedGen C5569050, MONDO:0014665, OMIM 616491.

Allele frequency attached by ClinVar (database versions not stated): gnomAD 0.00001.
gnomAD v4.1: 2 of 1,613,690 alleles (0.00012%); highest among the groups gnomAD compares: Non-Finnish European, 0.000085%; no homozygotes.

Submission:

Labcorp Genetics (formerly Invitae), Labcorp
Classification: Uncertain significance for Charcot-Marie-Tooth disease axonal type 2V; Mucopolysaccharidosis, MPS-III-B. Last evaluated: 2022-03-01. Review status: criteria provided, single submitter. Criteria: Invitae Variant Classification Sherloc (09022015). Collection method: clinical testing. Allele origin: germline.
Comment: This sequence change falls in intron 4 of the NAGLU gene. It does not directly change the encoded amino acid sequence of the NAGLU protein. It affects a nucleotide within the consensus splice site. This variant is not present in population databases (gnomAD no frequency). This variant has not been reported in the literature in individuals affected with NAGLU-related conditions. Variants that disrupt the consensus splice site are a relatively common cause of aberrant splicing (PMID: 17576681, 9536098). Algorithms developed to predict the effect of sequence changes on RNA splicing suggest that this variant is not likely to affect RNA splicing. In summary, the available evidence is currently insufficient to determine the role of this variant in disease. Therefore, it has been classified as a Variant of Uncertain Significance.

Literature cited by the submitters: PubMed 17576681; PubMed 9536098.